The following is an entry in ClinVar:

NM_001384474.1(LOXHD1):c.639_653del (p.Asp213_Gly218delinsGlu)

Gene: LOXHD1 (lipoxygenase homology PLAT domains 1; minus strand). Cytogenetic location: 18q21.1.
Variant type: Deletion.
Coding change: c.639_653del on transcript NM_001384474.1 (MANE Select); coding-DNA positions 639 to 653, 15 bases deleted (CAACTTTGAAAAGGG).
Protein change: p.Asp213_Gly218delinsGlu.
Molecular consequence: inframe indel.
Genome position (GRCh38, 1-based): chr18:46,610,882-46,610,896, CCCTTTTCAAAGTTG deleted on the plus strand (CAACTTTGAAAAGGG on the coding strand, the reverse complement: LOXHD1 is on the minus strand). VCF-style (leftmost placement, unchanged base first): chr18-46610881-TCCCTTTTCAAAGTTG-T. GRCh37 (hg19) VCF-style: chr18-44190844-TCCCTTTTCAAAGTTG-T.
Other names: c.639_653del, p.Asp213_Gly218delinsGlu (NM_144612.7).
Identifiers: ClinVar variation 3709679 (VCV003709679.2).

ClinVar aggregate classification (germline): Uncertain significance (1 of 4 stars; one submission).

Submission:

Labcorp Genetics (formerly Invitae), Labcorp
Classification: Uncertain significance. Last evaluated: 2024-07-08. Review status: criteria provided, single submitter. Criteria: Invitae Variant Classification Sherloc (09022015). Collection method: clinical testing. Allele origin: germline.
Comment: This variant, c.639_653del, is a complex sequence change that results in the deletion of 6 and insertion of 1 amino acid(s) in the LOXHD1 protein (p.Asp213_Gly218delinsGlu). This variant is present in population databases (rs776148000, gnomAD 0.04%). This variant has not been reported in the literature in individuals affected with LOXHD1-related conditions. Experimental studies and prediction algorithms are not available or were not evaluated, and the functional significance of this variant is currently unknown. In summary, the available evidence is currently insufficient to determine the role of this variant in disease. Therefore, it has been classified as a Variant of Uncertain Significance.